The following is an entry in ClinVar:

NM_000428.3(LTBP2):c.3394T>C (p.Ser1132Pro)

Gene: LTBP2 (latent transforming growth factor beta binding protein 2; minus strand). Cytogenetic location: 14q24.3.
Variant type: single nucleotide variant.
Coding change: c.3394T>C on transcript NM_000428.3 (MANE Select); coding-DNA position 3394, T replaced by C.
Protein change: p.Ser1132Pro; replaces serine 1132 with proline.
Molecular consequence: missense variant.
Genome position (GRCh38, 1-based): chr14:74,509,247, A>G on the plus strand (T>C on the coding strand, the complement: LTBP2 is on the minus strand). VCF-style: chr14-74509247-A-G. GRCh37 (hg19) VCF-style: chr14-74975950-A-G.
Other names: short protein forms S1132P.
Identifiers: ClinVar variation 1965439 (VCV001965439.2), dbSNP rs2506137146, ClinGen allele CA390389129.
Genomic context (GRCh38, chr14:74,509,247, plus strand): 5'-CTGACAGAGGGGGCATCCCATTTGTATCCTCTCCCACACAGAGGCTCATACCTTCACAGG[A>G]GTCACCCAGGGGGCTGGGCCGGTAGCCCCCATCGCAGTCCTTGCAGGAGAAGGAGCCAGC-3'
Protein context (NP_000419.1, residues 1122-1142): GGYRPSPLGD[Ser1132Pro]CEDVDECEDP

ClinVar aggregate classification (germline): Uncertain significance (1 of 4 stars; one submission).

Allele frequency attached by ClinVar (database versions not stated): gnomAD exomes 0.00001.
gnomAD v4.1: 11 of 1,613,540 alleles (0.00068%); highest among the groups gnomAD compares: Non-Finnish European, 0.00093%; no homozygotes.

Submission:

Labcorp Genetics (formerly Invitae), Labcorp
Classification: Uncertain significance. Last evaluated: 2022-05-25. Review status: criteria provided, single submitter. Criteria: Invitae Variant Classification Sherloc (09022015). Collection method: clinical testing. Allele origin: germline.
Comment: This sequence change replaces serine, which is neutral and polar, with proline, which is neutral and non-polar, at codon 1132 of the LTBP2 protein (p.Ser1132Pro). This variant is not present in population databases (gnomAD no frequency). This variant has not been reported in the literature in individuals affected with LTBP2-related conditions. Algorithms developed to predict the effect of missense changes on protein structure and function (SIFT, PolyPhen-2, Align-GVGD) all suggest that this variant is likely to be tolerated. In summary, the available evidence is currently insufficient to determine the role of this variant in disease. Therefore, it has been classified as a Variant of Uncertain Significance.